The following is an entry in ClinVar:

ClinVar aggregate classification (germline): Uncertain significance (1 of 4 stars; one submission).

gnomAD v4.1: 1 of 1,613,378 alleles (0.000062%); highest among the groups gnomAD compares: Non-Finnish European, 0.000085%; no homozygotes.

Submission:

GeneDx
Classification: Uncertain significance. Last evaluated: 2019-04-01. Review status: criteria provided, single submitter. Criteria: GeneDx Variant Classification Process June 2021. Collection method: clinical testing. Allele origin: germline. Affected: yes.
Comment: Not observed in large population cohorts (Lek et al., 2016); Canonical splice site variant in a gene for which loss-of-function is not a known mechanism of disease; Has not been previously published as pathogenic or benign to our knowledge

NM_177402.5(SYT2):c.1053+1G>T

Gene: SYT2 (synaptotagmin 2; minus strand). Cytogenetic location: 1q32.1.
Variant type: single nucleotide variant.
Coding change: c.1053+1G>T on transcript NM_177402.5 (MANE Select); the canonical splice donor site of the intron after coding-DNA position 1053, G replaced by T.
Molecular consequence: splice donor variant.
Genome position (GRCh38, 1-based): chr1:202,599,217, C>A on the plus strand (G>T on the coding strand, the complement: SYT2 is on the minus strand). VCF-style: chr1-202599217-C-A. GRCh37 (hg19) VCF-style: chr1-202568345-C-A.
Other names: c.1053+1G>T (NM_001136504.1).
Identifiers: ClinVar variation 1308535 (VCV001308535.2), dbSNP rs1690410094, ClinGen allele CA344256393.
Genomic context (GRCh38, chr1:202,599,217, plus strand): 5'-CCCCATACATGTTTGCCTCCCCAAACCCTGCTCCATGCCTAGGAACCCAGGGCTCCAGCA[C>A]CTGAATCTGCTCGAAGGGGATCTCAAAGCTGAAGGACTCGTTGAAGTATGGGTTCAGGGT-3'